The following is an entry in ClinVar:

ClinVar aggregate classification (germline): Uncertain significance (1 of 4 stars; one submission).

gnomAD v4.1: 10 of 1,614,166 alleles (0.00062%); highest among the groups gnomAD compares: Admixed American, 0.0017%; no homozygotes.

Submission:

Labcorp Genetics (formerly Invitae), Labcorp
Classification: Uncertain significance. Last evaluated: 2020-02-24. Review status: criteria provided, single submitter. Criteria: Invitae Variant Classification Sherloc (09022015). Collection method: clinical testing. Allele origin: germline.
Comment: This variant is present in population databases (rs747236559, ExAC 0.009%). In summary, the available evidence is currently insufficient to determine the role of this variant in disease. Therefore, it has been classified as a Variant of Uncertain Significance. Algorithms developed to predict the effect of missense changes on protein structure and function are either unavailable or do not agree on the potential impact of this missense change (SIFT: "Deleterious"; PolyPhen-2: "Benign"; Align-GVGD: "Class C0"). This variant has not been reported in the literature in individuals with ADAMTS18-related conditions. This sequence change replaces threonine with lysine at codon 818 of the ADAMTS18 protein (p.Thr818Lys). The threonine residue is moderately conserved and there is a moderate physicochemical difference between threonine and lysine.

NM_199355.4(ADAMTS18):c.2453C>A (p.Thr818Lys)

Gene: ADAMTS18 (ADAM metallopeptidase with thrombospondin type 1 motif 18; minus strand). Cytogenetic location: 16q23.1.
Variant type: single nucleotide variant.
Coding change: c.2453C>A on transcript NM_199355.4 (MANE Select); coding-DNA position 2453, C replaced by A.
Protein change: p.Thr818Lys; replaces threonine 818 with lysine.
Molecular consequence: missense variant.
Genome position (GRCh38, 1-based): chr16:77,319,928, G>T on the plus strand (C>A on the coding strand, the complement: ADAMTS18 is on the minus strand). VCF-style: chr16-77319928-G-T. GRCh37 (hg19) VCF-style: chr16-77353825-G-T.
Other names: c.1937C>A, p.Thr646Lys (NM_001326358.2); short protein forms T818K, T646K.
Identifiers: ClinVar variation 939163 (VCV000939163.6), dbSNP rs747236559, ClinGen allele CA8180905.